The following is an entry in ClinVar:

NM_001286577.2(C2CD3):c.847C>T (p.Leu283Phe)

Genes: C2CD3 (C2 domain containing 3 centriole elongation regulator; minus strand), LOC121392929 (Sharpr-MPRA regulatory region 9619; plus strand). Cytogenetic location: 11q13.4.
Variant type: single nucleotide variant.
Coding change: c.847C>T on transcript NM_001286577.2 (MANE Select); coding-DNA position 847, C replaced by T.
Protein change: p.Leu283Phe; replaces leucine 283 with phenylalanine.
Molecular consequence: missense variant.
Genome position (GRCh38, 1-based): chr11:74,138,828, G>A on the plus strand (C>T on the coding strand, the complement: C2CD3 is on the minus strand). VCF-style: chr11-74138828-G-A. GRCh37 (hg19) VCF-style: chr11-73849873-G-A.
Other names: c.847C>T, p.Leu283Phe (NM_015531.6); short protein forms L283F.
Identifiers: ClinVar variation 1923082 (VCV001923082.5), dbSNP rs2496597386, ClinGen allele CA381816625.

ClinVar aggregate classification (germline): Uncertain significance (1 of 4 stars; one submission).

Allele frequency attached by ClinVar (database versions not stated): gnomAD exomes below 0.00001.
gnomAD v4.1: 3 of 1,613,946 alleles (0.00019%); highest among the groups gnomAD compares: Non-Finnish European, 0.00025%; no homozygotes.

Submission:

Labcorp Genetics (formerly Invitae), Labcorp
Classification: Uncertain significance. Last evaluated: 2022-04-03. Review status: criteria provided, single submitter. Criteria: Invitae Variant Classification Sherloc (09022015). Collection method: clinical testing. Allele origin: germline.
Comment: Algorithms developed to predict the effect of missense changes on protein structure and function (SIFT, PolyPhen-2, Align-GVGD) all suggest that this variant is likely to be tolerated. This variant has not been reported in the literature in individuals affected with C2CD3-related conditions. This variant is not present in population databases (gnomAD no frequency). This sequence change replaces leucine, which is neutral and non-polar, with phenylalanine, which is neutral and non-polar, at codon 283 of the C2CD3 protein (p.Leu283Phe). In summary, the available evidence is currently insufficient to determine the role of this variant in disease. Therefore, it has been classified as a Variant of Uncertain Significance.